The following is an entry in ClinVar:

ClinVar aggregate classification (germline): Pathogenic (1 of 4 stars; one submission).

Conditions:
Propionic acidemia (PROP). Also called: GLYCINEMIA, KETOTIC; HYPERGLYCINEMIA WITH KETOACIDOSIS AND LEUKOPENIA; KETOTIC HYPERGLYCINEMIA. Identifiers: Orphanet 35, MedGen C0268579, MONDO:0011628, OMIM 606054, HP:0003571.

Submission:

Labcorp Genetics (formerly Invitae), Labcorp
Classification: Pathogenic for Propionic acidemia. Last evaluated: 2024-02-19. Review status: criteria provided, single submitter. Criteria: Invitae Variant Classification Sherloc (09022015). Collection method: clinical testing. Allele origin: germline.
Comment: This sequence change creates a premature translational stop signal (p.Tyr473Cysfs*8) in the PCCA gene. It is expected to result in an absent or disrupted protein product. Loss-of-function variants in PCCA are known to be pathogenic (PMID: 15464417). This variant is not present in population databases (gnomAD no frequency). This variant has not been reported in the literature in individuals affected with PCCA-related conditions. For these reasons, this variant has been classified as Pathogenic.

Literature cited by the submitters: PubMed 15464417.

NM_000282.4(PCCA):c.1418_1419del (p.Tyr473fs)

Gene: PCCA (propionyl-CoA carboxylase subunit alpha; plus strand). Cytogenetic location: 13q32.3.
Variant type: Deletion.
Coding change: c.1418_1419del on transcript NM_000282.4 (MANE Select); coding-DNA positions 1418 to 1419, 2 bases deleted (AT; older notation c.1418_1419delAT).
Protein change: p.Tyr473fs; shifts the reading frame from tyrosine 473.
Molecular consequence: frameshift variant. On other transcripts: non-coding transcript variant (5).
Genome position (GRCh38, 1-based): chr13:100,309,897-100,309,898, AT deleted; deleting any 2 consecutive bases within chr13:100,309,896-100,309,898 gives the same sequence; the c. name uses the placement nearest the transcript's 3' end. VCF-style (leftmost placement, unchanged base first): chr13-100309895-CTA-C. GRCh37 (hg19) VCF-style: chr13-100962149-CTA-C.
Other names: c.1340_1341del, p.Tyr447fs (NM_001127692.3, NM_001352607.2); c.1418_1419del, p.Tyr473fs (NM_001178004.2, NM_001352605.2, NM_001352609.2); c.1274_1275del, p.Tyr425fs (NM_001352606.2); c.1196_1197del, p.Tyr399fs (NM_001352608.2); c.473_474del, p.Tyr158fs (NM_001352610.2, NM_001352611.2); c.329_330del, p.Tyr110fs (NM_001352612.2); short protein forms Y399fs, Y447fs, Y425fs, Y110fs, Y158fs, Y473fs.
Identifiers: ClinVar variation 2749726 (VCV002749726.3), dbSNP rs2548154517, ClinGen allele CA2697551954.